The following is an entry in ClinVar:

NM_001267550.2(TTN):c.98637del (p.Ser32879fs)

Genes: TTN (titin; minus strand), TTN-AS1 (TTN antisense RNA 1; plus strand). Cytogenetic location: 2q31.2.
Variant type: Deletion.
Coding change: c.98637del on transcript NM_001267550.2 (MANE Select); coding-DNA position 98637, one base deleted (C; older notation c.98637delC).
Protein change: p.Ser32879fs; shifts the reading frame from serine 32879.
Molecular consequence: frameshift variant. On other transcripts: non-coding transcript variant (1).
Genome position (GRCh38, 1-based): chr2:178,539,428, G deleted on the plus strand (C on the coding strand, the reverse complement: TTN is on the minus strand). VCF-style (leftmost placement, unchanged base first): chr2-178539427-TG-T. GRCh37 (hg19) VCF-style: chr2-179404154-TG-T.
Other names: c.93714del, p.Ser31238fs (NM_001256850.1); c.71442del, p.Ser23814fs (NM_003319.4); c.90933del, p.Ser30311fs (NM_133378.4); c.71817del, p.Ser23939fs (NM_133432.3); c.72018del, p.Ser24006fs (NM_133437.4); short protein forms S24006fs, S30311fs, S31238fs, S23814fs, S23939fs, S32879fs.
Identifiers: ClinVar variation 1995961 (VCV001995961.4), dbSNP rs2468764744, ClinGen allele CA2580064709.

ClinVar aggregate classification (germline): Likely pathogenic (1 of 4 stars; one submission).

Conditions:
Dilated cardiomyopathy 1G (CMD1G). Identifiers: Orphanet 154, MedGen C1858763, MONDO:0011400, OMIM 604145.
Autosomal recessive limb-girdle muscular dystrophy type 2J (LGMDR10). Also called: Limb-girdle muscular dystrophy, type 2J; MUSCULAR DYSTROPHY, LIMB-GIRDLE, AUTOSOMAL RECESSIVE 10. Identifiers: Orphanet 140922, MedGen C1837342, MONDO:0012127, OMIM 608807.

Submission:

Labcorp Genetics (formerly Invitae), Labcorp
Classification: Likely pathogenic for Dilated cardiomyopathy 1G; Autosomal recessive limb-girdle muscular dystrophy type 2J. Last evaluated: 2022-05-18. Review status: criteria provided, single submitter. Criteria: Invitae Variant Classification Sherloc (09022015). Collection method: clinical testing. Allele origin: germline.
Comment: This sequence change creates a premature translational stop signal (p.Ser32879Argfs*4) in the TTN gene. While this is not anticipated to result in nonsense mediated decay, it is expected to create a truncated TTN protein. This variant is not present in population databases (gnomAD no frequency). This premature translational stop signal has been observed in individual(s) with dilated cardiomyopathy (Invitae). This variant is located in the A band of TTN (PMID: 25589632). Truncating variants in this region are significantly overrepresented in patients affected with dilated cardiomyopathy (PMID: 25589632). Truncating variants in this region have also been reported in individuals affected with autosomal recessive centronuclear myopathy (PMID: 23975875). In summary, the currently available evidence indicates that the variant is pathogenic, but additional data are needed to prove that conclusively. Therefore, this variant has been classified as Likely Pathogenic.

Literature cited by the submitters: PubMed 25589632; PubMed 23975875.